The following is an entry in ClinVar:

ClinVar aggregate classification (germline): Uncertain significance. Review status: criteria provided, multiple submitters, no conflicts (2 of 4 stars). 2 submissions from 2 submitters: Uncertain significance (2). Last evaluated 2023-11-02.

Allele frequency attached by ClinVar (database versions not stated): TOPMed below 0.00001.

Submissions (2):

Blueprint Genetics
Classification: Uncertain significance. Last evaluated: 2023-11-02. Review status: criteria provided, single submitter. Criteria: ACMG Guidelines, 2015. Collection method: clinical testing. Allele origin: germline.

GeneDx
Classification: Uncertain significance. Last evaluated: 2021-01-04. Review status: criteria provided, single submitter. Criteria: GeneDx Variant Classification Process June 2021. Collection method: clinical testing. Allele origin: germline. Affected: yes.
Comment: Not observed in large population cohorts (Lek et al., 2016); In silico analysis supports that this missense variant has a deleterious effect on protein structure/function; Has not been previously published as pathogenic or benign to our knowledge

NM_000747.3(CHRNB1):c.843C>G (p.Ile281Met)

Gene: CHRNB1 (cholinergic receptor nicotinic beta 1 subunit; plus strand). Cytogenetic location: 17p13.1.
Variant type: single nucleotide variant.
Coding change: c.843C>G on transcript NM_000747.3 (MANE Select); coding-DNA position 843, C replaced by G.
Protein change: p.Ile281Met; replaces isoleucine 281 with methionine.
Molecular consequence: missense variant.
Genome position (GRCh38, 1-based): chr17:7,454,319, C>G. VCF-style: chr17-7454319-C-G. GRCh37 (hg19) VCF-style: chr17-7357638-C-G.
Other names: short protein forms I281M.
Identifiers: ClinVar variation 418132 (VCV000418132.4), dbSNP rs1064793087, ClinGen allele CA16620604.